The following is an entry in ClinVar:

NM_001030.6(RPS27):c.7-8C>T

Genes: RPS27 (ribosomal protein S27; plus strand), LOC126805872 (BRD4-independent group 4 enhancer GRCh37_chr1:153962963-153964162; plus strand). Cytogenetic location: 1q21.3.
Variant type: single nucleotide variant.
Coding change: c.7-8C>T on transcript NM_001030.6 (MANE Select); 8 bases into the intron before coding-DNA position 7, C replaced by T.
Molecular consequence: intron variant.
Genome position (GRCh38, 1-based): chr1:153,991,107, C>T. VCF-style: chr1-153991107-C-T. GRCh37 (hg19) VCF-style: chr1-153963583-C-T.
Other names: c.-90-8C>T (NM_001349947.2, NM_001349946.2).
Identifiers: ClinVar variation 727666 (VCV000727666.12), dbSNP rs184130034, ClinGen allele CA1123832.

ClinVar aggregate classification (germline): Benign/Likely benign. Review status: criteria provided, multiple submitters, no conflicts (2 of 4 stars). 3 submissions from 3 submitters: Benign (1); Likely benign (1). 1 of the submissions does not count toward it. Last evaluated 2026-02-01.

Conditions:
RPS27-related disorder. Also called: RPS27-related condition.

Allele frequency attached by ClinVar (database versions not stated): gnomAD exomes 0.00014 and 0.00050; ExAC 0.00140; gnomAD 0.00200 and 0.00212; ESP Exome Variant Server 0.00215; TOPMed 0.00219; 1000 Genomes Project 0.00220; 1000 Genomes Project 30x 0.00234.
gnomAD v4.1: 518 of 1,558,044 alleles (0.033%); highest among the groups gnomAD compares: African/African-American, 0.64%; no homozygotes.

Submissions (3):

Labcorp Genetics (formerly Invitae), Labcorp
Classification: Benign. Last evaluated: 2026-02-01. Review status: criteria provided, single submitter. Criteria: Invitae Variant Classification Sherloc (09022015). Collection method: clinical testing. Allele origin: germline.

Blueprint Genetics
Classification: Likely benign. Last evaluated: 2024-10-24. Review status: criteria provided, single submitter. Criteria: ACMG Guidelines, 2015. Collection method: clinical testing. Allele origin: germline.

PreventionGenetics, part of Exact Sciences
Classification: Benign for RPS27-related condition. Last evaluated: 2019-11-25. Review status: no assertion criteria provided. Collection method: clinical testing. Allele origin: germline. Not counted in ClinVar's aggregate classification.
Comment: This variant is classified as benign based on ACMG/AMP sequence variant interpretation guidelines (Richards et al. 2015 PMID: 25741868, with internal and published modifications).